The following is an entry in ClinVar:

ClinVar aggregate classification (germline): Uncertain significance (1 of 4 stars; one submission).

Submission:

GeneDx
Classification: Uncertain significance. Last evaluated: 2019-08-21. Review status: criteria provided, single submitter. Criteria: GeneDx Variant Classification Process June 2021. Collection method: clinical testing. Allele origin: germline. Affected: yes.
Comment: Not observed in large population cohorts (Lek et al., 2016); In silico analysis, which includes protein predictors and evolutionary conservation, supports a deleterious effect; Has not been previously published as pathogenic or benign to our knowledge

NM_000397.4(CYBB):c.779C>T (p.Pro260Leu)

Gene: CYBB (cytochrome b-245 beta chain; plus strand). Cytogenetic location: Xp21.1.
Variant type: single nucleotide variant.
Coding change: c.779C>T on transcript NM_000397.4 (MANE Select); coding-DNA position 779, C replaced by T.
Protein change: p.Pro260Leu; replaces proline 260 with leucine.
Molecular consequence: missense variant.
Genome position (GRCh38, 1-based): chrX:37,799,059, C>T. VCF-style: chrX-37799059-C-T. GRCh37 (hg19) VCF-style: chrX-37658312-C-T.
Other names: short protein forms P260L.
Identifiers: ClinVar variation 1194192 (VCV001194192.2), dbSNP rs2146813751, ClinGen allele CA16622170.